The following is an entry in ClinVar:

ClinVar aggregate classification (germline): Uncertain significance (1 of 4 stars; one submission).

Allele frequency attached by ClinVar (database versions not stated): ExAC 0.00002.
gnomAD v4.1: 4 of 1,610,702 alleles (0.00025%); highest among the groups gnomAD compares: Admixed American, 0.005%; no homozygotes.

Submission:

Labcorp Genetics (formerly Invitae), Labcorp
Classification: Uncertain significance. Last evaluated: 2022-05-16. Review status: criteria provided, single submitter. Criteria: Invitae Variant Classification Sherloc (09022015). Collection method: clinical testing. Allele origin: germline.
Comment: This sequence change replaces arginine, which is basic and polar, with glycine, which is neutral and non-polar, at codon 65 of the SLC18A3 protein (p.Arg65Gly). This variant is present in population databases (rs775674834, gnomAD 0.006%). This variant has not been reported in the literature in individuals affected with SLC18A3-related conditions. Algorithms developed to predict the effect of missense changes on protein structure and function (SIFT, PolyPhen-2, Align-GVGD) all suggest that this variant is likely to be tolerated. In summary, the available evidence is currently insufficient to determine the role of this variant in disease. Therefore, it has been classified as a Variant of Uncertain Significance.

NM_003055.3(SLC18A3):c.193C>G (p.Arg65Gly)

Genes: CHAT (choline O-acetyltransferase; plus strand), SLC18A3 (solute carrier family 18 member A3; plus strand). Cytogenetic location: 10q11.23.
Variant type: single nucleotide variant.
Coding change: c.193C>G on transcript NM_003055.3 (MANE Select); coding-DNA position 193, C replaced by G.
Protein change: p.Arg65Gly; replaces arginine 65 with glycine.
Molecular consequence: missense variant. On other transcripts: intron variant (1).
Genome position (GRCh38, 1-based): chr10:49,610,933, C>G. VCF-style: chr10-49610933-C-G. GRCh37 (hg19) VCF-style: chr10-50818979-C-G.
Other names: c.-69+1734C>G (NM_020984.4); short protein forms R65G.
Identifiers: ClinVar variation 1935460 (VCV001935460.4), dbSNP rs775674834, ClinGen allele CA5496705.